The following is an entry in ClinVar:

ClinVar aggregate classification (germline): Uncertain significance (1 of 4 stars; one submission).

Conditions:
Intellectual developmental disorder, autosomal dominant 6, with or without seizures. Also called: GRIN2B-related developmental delay, intellectual disability and autism spectrum disorder; Intellectual disability, autosomal dominant 6. Identifiers: Orphanet 589547, MedGen C3151411, MONDO:0013509, OMIM 613970.
Developmental and epileptic encephalopathy, 27 (DEE27). Also called: Epileptic encephalopathy, early infantile, 27; GRIN2B-Related Neurodevelopmental Disorder. Identifiers: Orphanet 3451, MedGen C4015316, MONDO:0014505, OMIM 616139.

Allele frequency attached by ClinVar (database versions not stated): gnomAD exomes below 0.00001.
gnomAD v4.1: 4 of 1,613,962 alleles (0.00025%); highest among the groups gnomAD compares: Middle Eastern, 0.016%; no homozygotes.

Submission:

Labcorp Genetics (formerly Invitae), Labcorp
Classification: Uncertain significance for Developmental and epileptic encephalopathy, 27; Intellectual developmental disorder, autosomal dominant 6, with or without seizures. Last evaluated: 2023-03-17. Review status: criteria provided, single submitter. Criteria: Invitae Variant Classification Sherloc (09022015). Collection method: clinical testing. Allele origin: germline.
Comment: In summary, the available evidence is currently insufficient to determine the role of this variant in disease. Therefore, it has been classified as a Variant of Uncertain Significance. Advanced modeling of protein sequence and biophysical properties (such as structural, functional, and spatial information, amino acid conservation, physicochemical variation, residue mobility, and thermodynamic stability) performed at Invitae indicates that this missense variant is not expected to disrupt GRIN2B protein function. This variant has not been reported in the literature in individuals affected with GRIN2B-related conditions. The frequency data for this variant in the population databases is considered unreliable, as metrics indicate poor data quality at this position in the gnomAD database. This sequence change replaces arginine, which is basic and polar, with tryptophan, which is neutral and slightly polar, at codon 1158 of the GRIN2B protein (p.Arg1158Trp).

NM_000834.5(GRIN2B):c.3472C>T (p.Arg1158Trp)

Gene: GRIN2B (glutamate ionotropic receptor NMDA type subunit 2B; minus strand). Cytogenetic location: 12p13.1.
Variant type: single nucleotide variant.
Coding change: c.3472C>T on transcript NM_000834.5 (MANE Select); coding-DNA position 3472, C replaced by T.
Protein change: p.Arg1158Trp; replaces arginine 1158 with tryptophan.
Molecular consequence: missense variant.
Genome position (GRCh38, 1-based): chr12:13,563,766, G>A on the plus strand (C>T on the coding strand, the complement: GRIN2B is on the minus strand). VCF-style: chr12-13563766-G-A. GRCh37 (hg19) VCF-style: chr12-13716700-G-A.
Other names: c.3472C>T, p.Arg1158Trp (NM_001413992.1); short protein forms R1158W.
Identifiers: ClinVar variation 2939929 (VCV002939929.3), dbSNP rs1179858347, ClinGen allele CA383989118.
Genomic context (GRCh38, chr12:13,563,766, plus strand): 5'-GAGACCTGTTGGTACAGGGCCCTCCTCCGCTGACGGAGTCGCGCTTAAAGTCATCACTCC[G>A]CTCCTTGTAGATGTCGGTCAGGTCTACGTGCTCCCAGTGGGGTGAGTTCTCCTTTGTTCG-3'
Protein context (NP_000825.2, residues 1148-1168): HVDLTDIYKE[Arg1158Trp]SDDFKRDSVS